The following is an entry in ClinVar:

NM_032603.5(LOXL3):c.1865T>C (p.Leu622Pro)

Gene: LOXL3 (lysyl oxidase like 3; minus strand). Cytogenetic location: 2p13.1.
Variant type: single nucleotide variant.
Coding change: c.1865T>C on transcript NM_032603.5 (MANE Select); coding-DNA position 1865, T replaced by C.
Protein change: p.Leu622Pro; replaces leucine 622 with proline.
Molecular consequence: missense variant.
Genome position (GRCh38, 1-based): chr2:74,534,390, A>G on the plus strand (T>C on the coding strand, the complement: LOXL3 is on the minus strand). VCF-style: chr2-74534390-A-G. GRCh37 (hg19) VCF-style: chr2-74761517-A-G.
Other names: c.1430T>C, p.Leu477Pro (NM_001289164.3); c.782T>C, p.Leu261Pro (NM_001289165.2); short protein forms L261P, L477P, L622P.
Identifiers: ClinVar variation 1499437 (VCV001499437.6), dbSNP rs753380842, ClinGen allele CA1728775.
Genomic context (GRCh38, chr2:74,534,390, plus strand): 5'-GTGTCTTCGAGACAGAAACTAGCTTTGTGGCCCTCAGCCACCTTGGTGCCATTTGGGGTG[A>G]GGATATCATAGTGAGTGAAGATGTCCATGCTGTGGTAATGCCTGTGGGGAGAAGGGAACT-3'
Protein context (NP_115992.1, residues 612-632): SMDIFTHYDI[Leu622Pro]TPNGTKVAEG

ClinVar aggregate classification (germline): Uncertain significance (1 of 4 stars; one submission).

Allele frequency attached by ClinVar (database versions not stated): gnomAD exomes below 0.00001 and 0.00001; ExAC 0.00001; gnomAD 0.00001.
gnomAD v4.1: 8 of 1,614,120 alleles (0.0005%); highest among the groups gnomAD compares: Admixed American, 0.0017%; no homozygotes.

Submission:

Labcorp Genetics (formerly Invitae), Labcorp
Classification: Uncertain significance. Last evaluated: 2021-06-24. Review status: criteria provided, single submitter. Criteria: Invitae Variant Classification Sherloc (09022015). Collection method: clinical testing. Allele origin: germline.
Comment: In summary, the available evidence is currently insufficient to determine the role of this variant in disease. Therefore, it has been classified as a Variant of Uncertain Significance. Algorithms developed to predict the effect of missense changes on protein structure and function (SIFT, PolyPhen-2, Align-GVGD) all suggest that this variant is likely to be disruptive, but these predictions have not been confirmed by published functional studies and their clinical significance is uncertain. This variant has not been reported in the literature in individuals with LOXL3-related conditions. This variant is present in population databases (rs753380842, ExAC 0.001%). This sequence change replaces leucine with proline at codon 622 of the LOXL3 protein (p.Leu622Pro). The leucine residue is highly conserved and there is a moderate physicochemical difference between leucine and proline.